The following is an entry in ClinVar:

ClinVar aggregate classification (germline): Conflicting classifications of pathogenicity. Review status: criteria provided, conflicting classifications (1 of 4 stars). 5 submissions from 5 submitters: Uncertain significance (4); Likely benign (1). Last evaluated 2026-02-02.

Conditions:
Hereditary nonpolyposis colorectal neoplasms. Identifiers: MedGen C0009405, MeSH D003123.
Lynch syndrome. Identifiers: Orphanet 144, MedGen C4552100, MONDO:0005835. Disease mechanism: loss of function.
Hereditary cancer-predisposing syndrome. Also called: Hereditary Cancer Syndrome; Neoplastic Syndromes, Hereditary; Hereditary neoplastic syndrome; Tumor predisposition. Identifiers: Orphanet 140162, MedGen C0027672, MeSH D009386, MONDO:0015356.

Allele frequency attached by ClinVar (database versions not stated): gnomAD exomes below 0.00001 and 0.00001; TOPMed below 0.00001; ExAC 0.00002; ESP Exome Variant Server 0.00008.

Submissions (5):

Labcorp Genetics (formerly Invitae), Labcorp
Classification: Likely benign for Hereditary nonpolyposis colorectal neoplasms. Last evaluated: 2026-02-02. Review status: criteria provided, single submitter. Criteria: Invitae Variant Classification Sherloc (09022015). Collection method: clinical testing. Allele origin: germline.

Color Diagnostics, LLC DBA Color Health
Classification: Uncertain significance for Hereditary cancer-predisposing syndrome. Last evaluated: 2025-06-11. Review status: criteria provided, single submitter. Criteria: ACMG Guidelines, 2015. Collection method: clinical testing. Allele origin: germline.
Comment: This missense variant replaces isoleucine with valine at codon 1283 of the MSH6 protein. Computational prediction suggests that this variant may not impact protein structure and function. To our knowledge, functional studies have not been reported for this variant. This variant has not been reported in individuals affected with hereditary cancer in the literature. This variant has been identified in 3/250882 chromosomes in the general population by the Genome Aggregation Database (gnomAD). The available evidence is insufficient to determine the role of this variant in disease conclusively. Therefore, this variant is classified as a Variant of Uncertain Significance.

Molecular Diagnostics Laboratory, Catalan Institute of Oncology
Classification: Uncertain significance for Hereditary cancer-predisposing syndrome. Last evaluated: 2024-09-19. Review status: criteria provided, single submitter. Criteria: MMR VCEP Paper Draft V3.1. Collection method: clinical testing. Allele origin: germline.
Comment: BP4 c.3847A>G, located in exon 9 of the MSH6 gene, is predicted to result in the substitution of isoleucine by valine at codon 3847, p.(Ile1283Val).This variant is found in 3/267738 alleles at a frequency of 0.001% in the gnomAD v2.1.1 database, non-cancer dataset. Computational tools for this variant suggests no significant impact on splicing and does not affect the protein function (MAPP+PolyPhen-2 prior probability for pathogenicity: 0.10) (BP4). To our knowledge, neither relevant clinical data nor well-established functional studies have been reported for this variant. This variant has been reported in the ClinVar database (3x uncertain significance, 1x likely benign), but it has not been reported in LOVD or classified by InSiGHT. Based on currently available information, the variant c.3847A>G should be considered an uncertain significance variant.

Ambry Genetics
Classification: Uncertain significance for Hereditary cancer-predisposing syndrome. Last evaluated: 2024-01-18. Review status: criteria provided, single submitter. Criteria: Ambry Variant Classification Scheme 2023. Collection method: clinical testing. Allele origin: germline.
Comment: The p.I1283V variant (also known as c.3847A>G), located in coding exon 9 of the MSH6 gene, results from an A to G substitution at nucleotide position 3847. The isoleucine at codon 1283 is replaced by valine, an amino acid with highly similar properties. This amino acid position is highly conserved in available vertebrate species. In addition, the in silico prediction for this alteration is inconclusive. Since supporting evidence is limited at this time, the clinical significance of this alteration remains unclear.

Mendelics
Classification: Uncertain significance for Lynch syndrome. Last evaluated: 2018-07-02. Review status: criteria provided, single submitter. Criteria: Mendelics Assertion Criteria 2017. Collection method: clinical testing. Allele origin: unknown.

Literature cited by the submitters: PubMed 10413423 (cited by Ambry Genetics).

NM_000179.3(MSH6):c.3847A>G (p.Ile1283Val)

Gene: MSH6 (mutS homolog 6; plus strand). Cytogenetic location: 2p16.3.
Variant type: single nucleotide variant.
Coding change: c.3847A>G on transcript NM_000179.3 (MANE Select); coding-DNA position 3847, A replaced by G.
Protein change: p.Ile1283Val; replaces isoleucine 1283 with valine.
Molecular consequence: missense variant.
Genome position (GRCh38, 1-based): chr2:47,806,497, A>G. VCF-style: chr2-47806497-A-G. GRCh37 (hg19) VCF-style: chr2-48033636-A-G.
Other names: c.3457A>G, p.Ile1153Val (NM_001281492.2); c.2941A>G, p.Ile981Val (NM_001281493.2, NM_001281494.2); short protein forms I1283V, I1153V, I981V.
Identifiers: ClinVar variation 142738 (VCV000142738.20), dbSNP rs144714869, ClinGen allele CA014555.
Genomic context (GRCh38, chr2:47,806,497, plus strand): 5'-TTTTTCTTTCTTAAGGCATGCATGGTAGAAAATGAATGTGAAGACCCCAGCCAGGAGACT[A>G]TTACGTTCCTCTATAAATTCATTAAGGGAGCTTGTCCTAAAAGCTATGGCTTTAATGCAG-3'
Protein context (NP_000170.1, residues 1273-1293): NECEDPSQET[Ile1283Val]TFLYKFIKGA